The following is an entry in ClinVar:

NM_153704.6(TMEM67):c.2761A>G (p.Asn921Asp)

Gene: TMEM67 (transmembrane protein 67; plus strand). Cytogenetic location: 8q22.1.
Variant type: single nucleotide variant.
Coding change: c.2761A>G on transcript NM_153704.6 (MANE Select); coding-DNA position 2761, A replaced by G.
Protein change: p.Asn921Asp; replaces asparagine 921 with aspartic acid.
Molecular consequence: missense variant. On other transcripts: non-coding transcript variant (1).
Genome position (GRCh38, 1-based): chr8:93,809,884, A>G. VCF-style: chr8-93809884-A-G. GRCh37 (hg19) VCF-style: chr8-94822112-A-G.
Other names: c.2518A>G, p.Asn840Asp (NM_001142301.1); short protein forms N840D, N921D.
Identifiers: ClinVar variation 4993892 (VCV004993892.1).

ClinVar aggregate classification (germline): Uncertain significance (1 of 4 stars; one submission).

Conditions:
TMEM67-related disorder. Also called: TMEM67-related condition; TMEM67-related disorders. Identifiers: MedGen CN239423.

gnomAD v4.1: 1 of 1,584,638 alleles (0.000063%); highest among the groups gnomAD compares: Non-Finnish European, 0.000087%; no homozygotes.

Submission:

PreventionGenetics, part of Exact Sciences
Classification: Uncertain significance for TMEM67-related condition. Last evaluated: 2026-09-16. Review status: criteria provided, single submitter. Criteria: ACMG Guidelines, 2015. Collection method: clinical testing. Allele origin: germline.
Comment: The TMEM67 c.2761A>G variant is predicted to result in the amino acid substitution p.Asn921Asp. To our knowledge, this variant has not been reported in the literature or in a large population database (gnomAD), indicating this variant is rare. At this time, the clinical significance of this variant is uncertain due to the absence of conclusive functional and genetic evidence.